The following is an entry in ClinVar:

ClinVar aggregate classification (germline): Benign. Review status: criteria provided, single submitter (1 of 4 stars). 2 submissions from 1 submitter: Benign (2). Last evaluated 2018-01-13.

Conditions:
Waardenburg syndrome. Also called: Waardenburg's syndrome. Identifiers: Orphanet 3440, MedGen C3266898, MONDO:0018094.
PCWH syndrome. Also called: WAARDENBURG-SHAH SYNDROME, NEUROLOGIC VARIANT. Identifiers: Orphanet 163746, MedGen C1836727, MONDO:0012198, OMIM 609136.

Allele frequency attached by ClinVar (database versions not stated): gnomAD 0.03519 and 0.03747; gnomAD exomes 0.00236; 1000 Genomes Project 0.04073; TOPMed 0.03946; 1000 Genomes Project 30x 0.04466.
gnomAD v4.1: 5,299 of 156,158 alleles (3.4%); highest among the groups gnomAD compares: African/African-American, 12%; 304 homozygotes.

Submissions (2):

Illumina Laboratory Services, Illumina
Classification: Benign for Waardenburg syndrome. Last evaluated: 2018-01-13. Review status: criteria provided, single submitter. Criteria: ICSL Variant Classification Criteria 13 December 2019. Collection method: clinical testing. Allele origin: germline.
Comment: This variant was observed in the ICSL laboratory as part of a predisposition screen in an ostensibly healthy population. It had not been previously curated by ICSL or reported in the Human Gene Mutation Database (HGMD: prior to June 1st, 2018), and was therefore a candidate for classification through an automated scoring system. Utilizing variant allele frequency, disease prevalence and penetrance estimates, and inheritance mode, an automated score was calculated to assess if this variant is too frequent to cause the disease. Based on the score and internal cut-off values, a variant classified as benign is not then subjected to further curation. The score for this variant resulted in a classification of benign for this disease.

Illumina Laboratory Services, Illumina
Classification: Benign for PCWH syndrome. Last evaluated: 2018-01-13. Review status: criteria provided, single submitter. Criteria: ICSL Variant Classification Criteria 13 December 2019. Collection method: clinical testing. Allele origin: germline.
Comment: the same text as in the submission from Illumina Laboratory Services, Illumina above.

NM_006941.4(SOX10):c.*711C>T

Genes: POLR2F (RNA polymerase II, I and III subunit F; plus strand), SOX10 (SRY-box transcription factor 10; minus strand), LOC129391280 (MPRA-validated peak4487 silencer; plus strand). Cytogenetic location: 22q13.1.
Variant type: single nucleotide variant.
Coding change: c.*711C>T on transcript NM_006941.4 (MANE Select); 711 bases downstream of the stop codon, C replaced by T.
Molecular consequence: 3 prime UTR variant. On other transcripts: intron variant (3).
Genome position (GRCh38, 1-based): chr22:37,972,784, G>A on the plus strand (C>T on the coding strand, the complement: SOX10 is on the minus strand). VCF-style: chr22-37972784-G-A. GRCh37 (hg19) VCF-style: chr22-38368791-G-A.
Other names: c.*38+474G>A (NM_001363825.1); c.293+5614G>A (NM_001301130.2, NM_001301131.2).
Identifiers: ClinVar variation 341611 (VCV000341611.7), dbSNP rs60962899, ClinGen allele CA10653493.